The following is an entry in ClinVar:

NM_000152.5(GAA):c.1947C>A (p.Phe649Leu)

Gene: GAA (alpha glucosidase; plus strand). Cytogenetic location: 17q25.3.
Variant type: single nucleotide variant.
Coding change: c.1947C>A on transcript NM_000152.5 (MANE Select); coding-DNA position 1947, C replaced by A.
Protein change: p.Phe649Leu; replaces phenylalanine 649 with leucine.
Molecular consequence: missense variant.
Genome position (GRCh38, 1-based): chr17:80,112,934, C>A. VCF-style: chr17-80112934-C-A. GRCh37 (hg19) VCF-style: chr17-78086733-C-A.
Other names: c.1947C>A (LRG_673t1); c.1947C>A, p.Phe649Leu (NM_001079803.3, NM_001079804.3); short protein forms F649L.
Identifiers: ClinVar variation 572455 (VCV000572455.1), dbSNP rs770248553, ClinGen allele CA401369933.

ClinVar aggregate classification (germline): Uncertain significance (1 of 4 stars; one submission).

Conditions:
Glycogen storage disease, type II (IOPD). Also called: GLYCOGENOSIS, GENERALIZED, CARDIAC FORM; GSD II; Pompe Disease; Glucosidase acid-1,4-alpha deficiency; CARDIOMEGALIA GLYCOGENICA DIFFUSA; POMPE DISEASE, INFANTILE-ONSET. Identifiers: Orphanet 365, MedGen C0017921, MONDO:0009290, OMIM 232300.

Submission:

Labcorp Genetics (formerly Invitae), Labcorp
Classification: Uncertain significance for Glycogen storage disease, type II. Last evaluated: 2018-03-28. Review status: criteria provided, single submitter. Criteria: Invitae Variant Classification Sherloc (09022015). Collection method: clinical testing. Allele origin: germline.
Comment: This sequence change replaces phenylalanine with leucine at codon 649 of the GAA protein (p.Phe649Leu). The phenylalanine residue is highly conserved and there is a small physicochemical difference between phenylalanine and leucine. This variant is not present in population databases (ExAC no frequency). This variant has not been reported in the literature in individuals with GAA-related disease. Algorithms developed to predict the effect of missense changes on protein structure and function do not agree on the potential impact of this missense change (SIFT: "Deleterious"; PolyPhen-2: "Probably Damaging"; Align-GVGD: "Class C15"). In summary, the available evidence is currently insufficient to determine the role of this variant in disease. Therefore, it has been classified as a Variant of Uncertain Significance.